The following is an entry in ClinVar:

ClinVar aggregate classification (germline): Uncertain significance (1 of 4 stars; one submission).

Allele frequency attached by ClinVar (database versions not stated): gnomAD 0.00004 and 0.00006; gnomAD exomes 0.00004; TOPMed 0.00002; ExAC 0.00003.
gnomAD v4.1: 35 of 1,612,546 alleles (0.0022%); highest among the groups gnomAD compares: South Asian, 0.012%; no homozygotes.

Submission:

Laboratory for Molecular Medicine, Mass General Brigham Personalized Medicine
Classification: Uncertain significance. Last evaluated: 2017-03-28. Review status: criteria provided, single submitter. Criteria: LMM Criteria. Collection method: clinical testing. Allele origin: germline. Observed: 1 variant allele.
Comment: The p.Arg453Trp variant in ILDR1 has not been previously reported in individuals with hearing loss. The variant was identified in several populations by the Gen ome Aggregation Database, including 4/30724 South Asian chromosomes (gnomAD; dbSNP rs376986803); however its frequency is not high enough to rule out a pathogenic role. The arginine (Arg) at position 453 is not conserved in mammals or evolutionarily distant species and 2 mammals (goril la and shrew) carry a tryptophan (Trp), raising the possibility that this change may be tolerated. Additional computational prediction tools suggest that the p. Arg453Trp variant may not impact the protein, though this information is not pre dictive enough to rule out pathogenicity. In summary, the clinical significance of the p.Arg453Trp variant is uncertain.

Literature cited by the submitters: PubMed 21255762.

NM_001199799.2(ILDR1):c.1357C>T (p.Arg453Trp)

Gene: ILDR1 (immunoglobulin like domain containing receptor 1; minus strand). Cytogenetic location: 3q13.33.
Variant type: single nucleotide variant.
Coding change: c.1357C>T on transcript NM_001199799.2 (MANE Select); coding-DNA position 1357, C replaced by T.
Protein change: p.Arg453Trp; replaces arginine 453 with tryptophan.
Molecular consequence: missense variant.
Genome position (GRCh38, 1-based): chr3:121,993,392, G>A on the plus strand (C>T on the coding strand, the complement: ILDR1 is on the minus strand). VCF-style: chr3-121993392-G-A. GRCh37 (hg19) VCF-style: chr3-121712239-G-A.
Other names: c.1090C>T, p.Arg364Trp (NM_001199800.2); c.1225C>T, p.Arg409Trp (NM_175924.4); short protein forms R453W, R409W, R364W.
Identifiers: ClinVar variation 517351 (VCV000517351.4), dbSNP rs376986803, ClinGen allele CA2568702.